The following is an entry in ClinVar:

ClinVar aggregate classification (germline): Likely benign (1 of 4 stars; one submission).

gnomAD v4.1: 14 of 1,611,408 alleles (0.00087%); highest among the groups gnomAD compares: Admixed American, 0.022%; no homozygotes.

Submission:

CeGaT Center for Human Genetics Tuebingen
Classification: Likely benign. Last evaluated: 2026-06-01. Review status: criteria provided, single submitter. Criteria: CeGaT Center For Human Genetics Tuebingen Variant Classification Criteria Version 2. Collection method: clinical testing. Allele origin: germline. Affected: yes. Observed: 1 variant allele.
Comment: SATB1: BP4, BS2

NM_002971.6(SATB1):c.1467C>T (p.Asn489=)

Gene: SATB1 (SATB homeobox 1; minus strand). Cytogenetic location: 3p24.3.
Variant type: single nucleotide variant.
Coding change: c.1467C>T on transcript NM_002971.6 (MANE Select); coding-DNA position 1467, C replaced by T.
Protein change: p.Asn489=; no amino-acid change (asparagine 489 retained).
Molecular consequence: synonymous variant.
Genome position (GRCh38, 1-based): chr3:18,378,278, G>A on the plus strand (C>T on the coding strand, the complement: SATB1 is on the minus strand). VCF-style: chr3-18378278-G-A. GRCh37 (hg19) VCF-style: chr3-18419770-G-A.
Other names: c.1467C>T, p.Asn489= (NM_001131010.4, NM_001195470.3, NM_001322871.2 and 4 more transcripts); c.1251C>T, p.Asn417= (NM_001322876.2).
Identifiers: ClinVar variation 4875165 (VCV004875165.2).